The following is an entry in ClinVar:

ClinVar aggregate classification (germline): Uncertain significance (1 of 4 stars; one submission).

Allele frequency attached by ClinVar (database versions not stated): ExAC 0.00001; gnomAD exomes 0.00001.
gnomAD v4.1: 3 of 1,613,852 alleles (0.00019%); highest among the groups gnomAD compares: South Asian, 0.0022%; no homozygotes.

Submission:

Labcorp Genetics (formerly Invitae), Labcorp
Classification: Uncertain significance. Last evaluated: 2023-02-27. Review status: criteria provided, single submitter. Criteria: Invitae Variant Classification Sherloc (09022015). Collection method: clinical testing. Allele origin: germline.
Comment: Algorithms developed to predict the effect of missense changes on protein structure and function output the following: SIFT: "Not Available"; PolyPhen-2: "Benign"; Align-GVGD: "Not Available". The histidine amino acid residue is found in multiple mammalian species, which suggests that this missense change does not adversely affect protein function. This sequence change replaces tyrosine, which is neutral and polar, with histidine, which is basic and polar, at codon 936 of the EGF protein (p.Tyr936His). This variant is present in population databases (rs765299912, gnomAD 0.003%). This variant has not been reported in the literature in individuals affected with EGF-related conditions. In summary, the available evidence is currently insufficient to determine the role of this variant in disease. Therefore, it has been classified as a Variant of Uncertain Significance.

NM_001963.6(EGF):c.2806T>C (p.Tyr936His)

Gene: EGF (epidermal growth factor; plus strand). Cytogenetic location: 4q25.
Variant type: single nucleotide variant.
Coding change: c.2806T>C on transcript NM_001963.6 (MANE Select); coding-DNA position 2806, T replaced by C.
Protein change: p.Tyr936His; replaces tyrosine 936 with histidine.
Molecular consequence: missense variant. On other transcripts: intron variant (1).
Genome position (GRCh38, 1-based): chr4:109,993,318, T>C. VCF-style: chr4-109993318-T-C. GRCh37 (hg19) VCF-style: chr4-110914474-T-C.
Other names: c.2680T>C, p.Tyr894His (NM_001178131.3); c.2437T>C, p.Tyr813His (NM_001357021.2); c.2735-1415T>C (NM_001178130.3); short protein forms Y813H, Y894H, Y936H.
Identifiers: ClinVar variation 2840588 (VCV002840588.3), dbSNP rs765299912, ClinGen allele CA3044093.
Genomic context (GRCh38, chr4:109,993,318, plus strand): 5'-TGCCAACTGGGGGAGCACAGCTGTGGAGAGAATGCCAGCTGCACAAATACAGAGGGAGGC[T>C]ATACCTGCATGTGTGCTGGACGCCTGTCTGAACCAGGACTGATTTGCCCTGGTAGGTTGG-3'
Protein context (NP_001954.2, residues 926-946): NASCTNTEGG[Tyr936His]TCMCAGRLSE